The following is an entry in ClinVar:

ClinVar aggregate classification (germline): Pathogenic. Review status: criteria provided, multiple submitters, no conflicts (2 of 4 stars). 4 submissions from 4 submitters: Pathogenic (4). Last evaluated 2026-04-28.

Conditions:
Hereditary nonpolyposis colon cancer (HNPCC). Also called: Hereditary nonpolyposis colorectal cancer; Familial nonpolyposis colon cancer; Hereditary Nonpolyposis Colorectal Cancer Syndrome. Identifiers: Orphanet 443909, MedGen C1333990, MONDO:0018630. Disease mechanism: loss of function.
Hereditary nonpolyposis colorectal neoplasms. Identifiers: MedGen C0009405, MeSH D003123.
Hereditary cancer-predisposing syndrome. Also called: Tumor predisposition; Hereditary Cancer Syndrome; Hereditary neoplastic syndrome; Neoplastic Syndromes, Hereditary. Identifiers: Orphanet 140162, MedGen C0027672, MeSH D009386, MONDO:0015356.
Lynch syndrome 5 (LYNCH5). Also called: Hereditary non-polyposis colorectal cancer, type 5; Colorectal cancer, hereditary nonpolyposis, type 5. Identifiers: Orphanet 144, MedGen C1833477, MONDO:0013710, OMIM 614350. Disease mechanism: loss of function.

Submissions (4):

Women's Health and Genetics/Laboratory Corporation of America, LabCorp
Classification: Pathogenic for Hereditary nonpolyposis colon cancer. Last evaluated: 2026-04-28. Review status: criteria provided, single submitter. Criteria: LabCorp Variant Classification Summary - May 2015. Collection method: clinical testing. Allele origin: germline.
Comment: Variant summary: MSH6 c.1836dupA (p.Leu613IlefsX27) results in a premature termination codon, predicted to cause a truncation of the encoded protein or absence of the protein due to nonsense mediated decay, which are commonly known mechanisms for disease. The variant was absent in 250650 control chromosomes. To our knowledge, no occurrence of c.1836dupA in individuals affected with MSH6-related conditions and no experimental evidence demonstrating its impact on protein function have been reported. ClinVar contains an entry for this variant (Variation ID: 928750). Based on the evidence outlined above, the variant was classified as pathogenic.

Labcorp Genetics (formerly Invitae), Labcorp
Classification: Pathogenic for Hereditary nonpolyposis colorectal neoplasms. Last evaluated: 2025-10-11. Review status: criteria provided, single submitter. Criteria: Invitae Variant Classification Sherloc (09022015). Collection method: clinical testing. Allele origin: germline.
Comment: This sequence change creates a premature translational stop signal (p.Leu613Ilefs*27) in the MSH6 gene. It is expected to result in an absent or disrupted protein product. Loss-of-function variants in MSH6 are known to be pathogenic (PMID: 18269114, 24362816). This variant is not present in population databases (gnomAD no frequency). This variant has not been reported in the literature in individuals affected with MSH6-related conditions. Invitae Evidence Modeling of clinical and family history, age, sex, and reported ancestry of multiple individuals with this MSH6 variant has been performed. This variant is expected to be pathogenic with a positive predictive value of at least 99%. This is a validated machine learning model that incorporates the clinical features of 1,627,235 individuals referred to our laboratory for MSH6 testing. ClinVar contains an entry for this variant (Variation ID: 928750). For these reasons, this variant has been classified as Pathogenic.

Myriad Genetics, Inc.
Classification: Pathogenic for Lynch syndrome 5. Last evaluated: 2023-08-15. Review status: criteria provided, single submitter. Criteria: Myriad Autosomal Dominant, Autosomal Recessive and X-Linked Classification Criteria (2023). Collection method: clinical testing. Allele origin: unknown.
Comment: This variant is considered pathogenic. This variant creates a frameshift predicted to result in premature protein truncation.

Ambry Genetics
Classification: Pathogenic for Hereditary cancer-predisposing syndrome. Last evaluated: 2021-05-24. Review status: criteria provided, single submitter. Criteria: Ambry Variant Classification Scheme 2023. Collection method: clinical testing. Allele origin: germline.
Comment: The c.1836dupA pathogenic mutation, located in coding exon 4 of the MSH6 gene, results from a duplication of A at nucleotide position 1836, causing a translational frameshift with a predicted alternate stop codon (p.L613Ifs*27). This alteration is expected to result in loss of function by premature protein truncation or nonsense-mediated mRNA decay. As such, this alteration is interpreted as a disease-causing mutation.

Literature cited by the submitters: PubMed 18269114 (cited by Labcorp Genetics (formerly Invitae), Labcorp); PubMed 24362816 (cited by Labcorp Genetics (formerly Invitae), Labcorp).

NM_000179.3(MSH6):c.1836dup (p.Leu613fs)

Gene: MSH6 (mutS homolog 6; plus strand). Cytogenetic location: 2p16.3.
Variant type: Duplication.
Coding change: c.1836dup on transcript NM_000179.3 (MANE Select); coding-DNA position 1836, one base duplicated (A; older notation c.1836dupA).
Protein change: p.Leu613fs; shifts the reading frame from leucine 613.
Molecular consequence: frameshift variant.
Genome position (GRCh38, 1-based): chr2:47,799,819, A duplicated. VCF-style (leftmost placement, unchanged base first): chr2-47799818-C-CA. GRCh37 (hg19) VCF-style: chr2-48026957-C-CA.
Other names: c.1836dupA (NM_000179.2, NM_000179.3); c.1446dup, p.Leu483fs (NM_001281492.2); c.930dup, p.Leu311fs (NM_001281493.2, NM_001281494.2); short protein forms L483fs, L311fs, L613fs.
Identifiers: ClinVar variation 928750 (VCV000928750.13), dbSNP rs1669381138, ClinGen allele CA1139655651.